The following is an entry in ClinVar:

ClinVar aggregate classification (germline): Uncertain significance (1 of 4 stars; one submission).

Conditions:
Bardet-Biedl syndrome (BBS). Identifiers: Orphanet 110, MedGen C0752166, MONDO:0015229.

Allele frequency attached by ClinVar (database versions not stated): gnomAD exomes below 0.00001.
gnomAD v4.1: 4 of 1,604,294 alleles (0.00025%); highest among the groups gnomAD compares: African/African-American, 0.0054%; no homozygotes.

Submission:

Labcorp Genetics (formerly Invitae), Labcorp
Classification: Uncertain significance for Bardet-Biedl syndrome. Last evaluated: 2022-05-30. Review status: criteria provided, single submitter. Criteria: Invitae Variant Classification Sherloc (09022015). Collection method: clinical testing. Allele origin: germline.
Comment: This sequence change replaces glycine, which is neutral and non-polar, with alanine, which is neutral and non-polar, at codon 312 of the BBS7 protein (p.Gly312Ala). This variant is present in population databases (no rsID available, gnomAD 0.007%). This variant has not been reported in the literature in individuals affected with BBS7-related conditions. Algorithms developed to predict the effect of missense changes on protein structure and function (SIFT, PolyPhen-2, Align-GVGD) all suggest that this variant is likely to be disruptive. Algorithms developed to predict the effect of sequence changes on RNA splicing suggest that this variant may create or strengthen a splice site. In summary, the available evidence is currently insufficient to determine the role of this variant in disease. Therefore, it has been classified as a Variant of Uncertain Significance.

NM_176824.3(BBS7):c.935G>C (p.Gly312Ala)

Gene: BBS7 (Bardet-Biedl syndrome 7; minus strand). Cytogenetic location: 4q27.
Variant type: single nucleotide variant.
Coding change: c.935G>C on transcript NM_176824.3 (MANE Select); coding-DNA position 935, G replaced by C.
Protein change: p.Gly312Ala; replaces glycine 312 with alanine.
Molecular consequence: missense variant.
Genome position (GRCh38, 1-based): chr4:121,847,506, C>G on the plus strand (G>C on the coding strand, the complement: BBS7 is on the minus strand). VCF-style: chr4-121847506-C-G. GRCh37 (hg19) VCF-style: chr4-122768661-C-G.
Other names: c.935G>C, p.Gly312Ala (NM_018190.4); short protein forms G312A.
Identifiers: ClinVar variation 1927361 (VCV001927361.2), dbSNP rs1002315435, ClinGen allele CA104763682.